The following is an entry in ClinVar:

NM_015509.4(NECAP1):c.161A>C (p.Lys54Thr)

Gene: NECAP1 (NECAP endocytosis associated 1; plus strand). Cytogenetic location: 12p13.31.
Variant type: single nucleotide variant.
Coding change: c.161A>C on transcript NM_015509.4 (MANE Select); coding-DNA position 161, A replaced by C.
Protein change: p.Lys54Thr; replaces lysine 54 with threonine.
Molecular consequence: missense variant. On other transcripts: non-coding transcript variant (1).
Genome position (GRCh38, 1-based): chr12:8,090,001, A>C. VCF-style: chr12-8090001-A-C. GRCh37 (hg19) VCF-style: chr12-8242597-A-C.
Other names: short protein forms K54T.
Identifiers: ClinVar variation 1397921 (VCV001397921.5), dbSNP rs755337455, ClinGen allele CA6432175.

ClinVar aggregate classification (germline): Uncertain significance (1 of 4 stars; one submission).

Conditions:
Developmental and epileptic encephalopathy, 21 (DEE21). Also called: Early infantile epileptic encephalopathy 21. Identifiers: Orphanet 442835, MedGen C4014430, MONDO:0014360, OMIM 615833.

Allele frequency attached by ClinVar (database versions not stated): gnomAD 0.00001; gnomAD exomes 0.00002 and 0.00003; ExAC 0.00003.

Submission:

Labcorp Genetics (formerly Invitae), Labcorp
Classification: Uncertain significance for Developmental and epileptic encephalopathy, 21. Last evaluated: 2021-09-01. Review status: criteria provided, single submitter. Criteria: Invitae Variant Classification Sherloc (09022015). Collection method: clinical testing. Allele origin: germline.
Comment: This sequence change replaces lysine with threonine at codon 54 of the NECAP1 protein (p.Lys54Thr). The lysine residue is highly conserved and there is a moderate physicochemical difference between lysine and threonine. This variant is present in population databases (rs755337455, ExAC 0.02%). This variant has not been reported in the literature in individuals affected with NECAP1-related conditions. Algorithms developed to predict the effect of missense changes on protein structure and function (SIFT, PolyPhen-2, Align-GVGD) all suggest that this variant is likely to be tolerated. In summary, the available evidence is currently insufficient to determine the role of this variant in disease. Therefore, it has been classified as a Variant of Uncertain Significance.